The following is an entry in ClinVar:

ClinVar aggregate classification (germline): Uncertain significance. Review status: criteria provided, multiple submitters, no conflicts (2 of 4 stars). 2 submissions from 2 submitters: Uncertain significance (2). Last evaluated 2024-12-13.

Conditions:
Congenital adrenal hyperplasia due to cytochrome P450 oxidoreductase deficiency. Also called: DISORDERED STEROIDOGENESIS DUE TO POR DEFICIENCY. Identifiers: Orphanet 95699, MedGen C1860042, MONDO:0013310, OMIM 613571.

Allele frequency attached by ClinVar (database versions not stated): gnomAD 0.00005 and 0.00007; gnomAD exomes 0.00005 and 0.00010; ExAC 0.00011; TOPMed 0.00011; 1000 Genomes Project 30x 0.00047.
gnomAD v4.1: 78 of 1,593,634 alleles (0.0049%); highest among the groups gnomAD compares: East Asian, 0.14%; no homozygotes.

Submissions (2):

Women's Health and Genetics/Laboratory Corporation of America, LabCorp
Classification: Uncertain significance. Last evaluated: 2024-12-13. Review status: criteria provided, single submitter. Criteria: LabCorp Variant Classification Summary - May 2015. Collection method: clinical testing. Allele origin: germline.
Comment: Variant summary: POR c.1444G>A (p.Ala482Thr) results in a non-conservative amino acid change in the encoded protein sequence. Two of three in-silico tools predict a benign effect of the variant on protein function. The variant allele was found at a frequency of 0.0001 in 221010 control chromosomes. This frequency is not significantly higher than estimated for a pathogenic variant in POR causing Congenital Adrenal Hyperplasia (0.0001 vs 0.00091), allowing no conclusion about variant significance. To our knowledge, no occurrence of c.1444G>A in individuals affected with Congenital Adrenal Hyperplasia has been reported. At least one publication reports experimental evidence evaluating an impact on protein function, however, does not allow convincing conclusions about the variant effect (Agrawal_2008, Huang_2008). The following publications have been ascertained in the context of this evaluation (PMID: 18551037, 18230729). ClinVar contains an entry for this variant (Variation ID: 1479420). Based on the evidence outlined above, the variant was classified as uncertain significance.

Labcorp Genetics (formerly Invitae), Labcorp
Classification: Uncertain significance for Congenital adrenal hyperplasia due to cytochrome P450 oxidoreductase deficiency. Last evaluated: 2021-11-30. Review status: criteria provided, single submitter. Criteria: Invitae Variant Classification Sherloc (09022015). Collection method: clinical testing. Allele origin: germline.
Comment: This sequence change replaces alanine, which is neutral and non-polar, with threonine, which is neutral and polar, at codon 485 of the POR protein (p.Ala485Thr). This variant is present in population databases (rs72557947, gnomAD 0.1%). This variant has not been reported in the literature in individuals affected with POR-related conditions. Algorithms developed to predict the effect of missense changes on protein structure and function output the following: SIFT: "Tolerated"; PolyPhen-2: "Benign"; Align-GVGD: "Class C0". The threonine amino acid residue is found in multiple mammalian species, which suggests that this missense change does not adversely affect protein function. Experimental studies are conflicting or provide insufficient evidence to determine the effect of this variant on POR function (PMID: 18230729, 18551037). In summary, the available evidence is currently insufficient to determine the role of this variant in disease. Therefore, it has been classified as a Variant of Uncertain Significance.

Literature cited by the submitters: PubMed 18551037 (cited by Women's Health and Genetics/Laboratory Corporation of America, LabCorp and Labcorp Genetics (formerly Invitae), Labcorp); PubMed 18230729 (cited by Women's Health and Genetics/Laboratory Corporation of America, LabCorp and Labcorp Genetics (formerly Invitae), Labcorp).

NM_001395413.1(POR):c.1444G>A (p.Ala482Thr)

Gene: POR (cytochrome p450 oxidoreductase; plus strand). Cytogenetic location: 7q11.23.
Variant type: single nucleotide variant.
Coding change: c.1444G>A on transcript NM_001395413.1 (MANE Select); coding-DNA position 1444, G replaced by A.
Protein change: p.Ala482Thr; replaces alanine 482 with threonine.
Molecular consequence: missense variant.
Genome position (GRCh38, 1-based): chr7:75,985,633, G>A. VCF-style: chr7-75985633-G-A. GRCh37 (hg19) VCF-style: chr7-75614951-G-A.
Other names: c.1444G>A, p.Ala482Thr (NM_001367562.3, NM_001382657.2, NM_001382658.3 and 1 more transcripts); c.1498G>A, p.Ala500Thr (NM_001382655.3); c.1294G>A, p.Ala432Thr (NM_001382662.3); short protein forms A432T, A482T, A500T.
Identifiers: ClinVar variation 1479420 (VCV001479420.4), dbSNP rs72557947, ClinGen allele CA4304144.